The following is an entry in ClinVar:

NM_020223.4(FAM20C):c.1680C>T (p.Cys560=)

Gene: FAM20C (FAM20C golgi associated secretory pathway kinase; plus strand). Cytogenetic location: 7p22.3.
Variant type: single nucleotide variant.
Coding change: c.1680C>T on transcript NM_020223.4 (MANE Select); coding-DNA position 1680, C replaced by T.
Protein change: p.Cys560=; no amino-acid change (cysteine 560 retained).
Molecular consequence: synonymous variant.
Genome position (GRCh38, 1-based): chr7:259,905, C>T. VCF-style: chr7-259905-C-T. GRCh37 (hg19) VCF-style: chr7-299871-C-T.
Other names: c.1680C>T (NM_020223.3).
Identifiers: ClinVar variation 1169850 (VCV001169850.11), dbSNP rs371584776, ClinGen allele CA4109221.
Genomic context (GRCh38, chr7:259,905, plus strand): 5'-GCCGCACCTGGAGGCCCTGGACCGGCGGCTCCGCGTCGTGCTAAAGGCCGTCCGGGACTG[C>T]GTGGAGAGGAACGGGCTCCACAGCGTGGTGGATGACGACCTGGACACTGAGCACAGAGCC-3'
Protein context (NP_064608.2, residues 550-570): LRVVLKAVRD[Cys560=]VERNGLHSVV

ClinVar aggregate classification (germline): Benign. Review status: criteria provided, single submitter (1 of 4 stars). 2 submissions from 2 submitters: Benign (1). 1 of the submissions does not count toward it. Last evaluated 2025-02-26.

Conditions:
FAM20C-related disorder. Also called: FAM20C-related condition.

Allele frequency attached by ClinVar (database versions not stated): gnomAD exomes 0.00021; gnomAD 0.00040 and 0.00044; TOPMed 0.00042; ESP Exome Variant Server 0.00066; ExAC 0.00070.
gnomAD v4.1: 142 of 1,535,288 alleles (0.0092%); highest among the groups gnomAD compares: African/African-American, 0.11%; 2 homozygotes.

Submissions (2):

Labcorp Genetics (formerly Invitae), Labcorp
Classification: Benign. Last evaluated: 2025-02-26. Review status: criteria provided, single submitter. Criteria: Invitae Variant Classification Sherloc (09022015). Collection method: clinical testing. Allele origin: germline.

PreventionGenetics, part of Exact Sciences
Classification: Likely benign for FAM20C-related condition. Last evaluated: 2019-03-26. Review status: no assertion criteria provided. Collection method: clinical testing. Allele origin: germline. Not counted in ClinVar's aggregate classification.
Comment: This variant is classified as likely benign based on ACMG/AMP sequence variant interpretation guidelines (Richards et al. 2015 PMID: 25741868, with internal and published modifications).